The following is an entry in ClinVar:

NM_001458.5(FLNC):c.6492G>C (p.Trp2164Cys)

Genes: FLNC (filamin C; plus strand), FLNC-AS1 (FLNC antisense RNA 1; minus strand). Cytogenetic location: 7q32.1.
Variant type: single nucleotide variant.
Coding change: c.6492G>C on transcript NM_001458.5 (MANE Select); coding-DNA position 6492, G replaced by C.
Protein change: p.Trp2164Cys; replaces tryptophan 2164 with cysteine.
Molecular consequence: missense variant.
Genome position (GRCh38, 1-based): chr7:128,853,981, G>C. VCF-style: chr7-128853981-G-C. GRCh37 (hg19) VCF-style: chr7-128494035-G-C.
Other names: c.6393G>C, p.Trp2131Cys (NM_001127487.2); short protein forms W2131C, W2164C.
Identifiers: ClinVar variation 2953544 (VCV002953544.3), dbSNP rs2536663464, ClinGen allele CA369212675.

ClinVar aggregate classification (germline): Uncertain significance (1 of 4 stars; one submission).

Conditions:
Hypertrophic cardiomyopathy 26. Also called: Cardiomyopathy, familial hypertrophic, 26. Identifiers: Orphanet 75249, MedGen C4310749, MONDO:0014883, OMIM 617047.
Myofibrillar myopathy 5. Also called: Filaminopathy (type); FILAMINOPATHY, AUTOSOMAL DOMINANT. Identifiers: Orphanet 171445, MedGen C1836050, MONDO:0012289, OMIM 609524.
Distal myopathy with posterior leg and anterior hand involvement. Also called: WILLIAMS DISTAL MYOPATHY. Identifiers: Orphanet 63273, MedGen C3279722, MONDO:0013550, OMIM 614065.

Submission:

Labcorp Genetics (formerly Invitae), Labcorp
Classification: Uncertain significance for Distal myopathy with posterior leg and anterior hand involvement; Myofibrillar myopathy 5; Hypertrophic cardiomyopathy 26. Last evaluated: 2023-11-04. Review status: criteria provided, single submitter. Criteria: Invitae Variant Classification Sherloc (09022015). Collection method: clinical testing. Allele origin: germline.
Comment: This sequence change replaces tryptophan, which is neutral and slightly polar, with cysteine, which is neutral and slightly polar, at codon 2164 of the FLNC protein (p.Trp2164Cys). This variant is not present in population databases (gnomAD no frequency). This variant has not been reported in the literature in individuals affected with FLNC-related conditions. Advanced modeling of protein sequence and biophysical properties (such as structural, functional, and spatial information, amino acid conservation, physicochemical variation, residue mobility, and thermodynamic stability) has been performed at Invitae for this missense variant, however the output from this modeling did not meet the statistical confidence thresholds required to predict the impact of this variant on FLNC protein function. In summary, the available evidence is currently insufficient to determine the role of this variant in disease. Therefore, it has been classified as a Variant of Uncertain Significance.